The following is an entry in ClinVar:

ClinVar aggregate classification (germline): Uncertain significance. Review status: criteria provided, multiple submitters, no conflicts (2 of 4 stars). 4 submissions from 4 submitters: Uncertain significance (3). 1 of the submissions does not count toward it. Last evaluated 2026-08-20.

Conditions:
TAF1-related disorder. Also called: TAF1-related condition.
X-linked dystonia-parkinsonism (DYT3). Also called: Lubag; DYT-TAF1; TORSION DYSTONIA-PARKINSONISM, FILIPINO TYPE. Identifiers: Orphanet 53351, MedGen C1839130, MONDO:0010747, OMIM 314250.

Allele frequency attached by ClinVar (database versions not stated): gnomAD exomes 0.00002; TOPMed 0.00002; gnomAD 0.00009.

Submissions (4):

PreventionGenetics, part of Exact Sciences
Classification: Uncertain significance for TAF1-related condition. Last evaluated: 2026-08-20. Review status: criteria provided, single submitter. Criteria: ACMG Guidelines, 2015. Collection method: clinical testing. Allele origin: germline.
Comment: The TAF1 c.*65739C>T variant is located in the 3' untranslated region. This variant occurs in a post-coding region of the TAF1 gene and is alternatively known as n.5894C>T (NR_104387.1). This variant has been previously reported in the literature as c.94C>T (p.Arg32Cys) using nomenclature that no longer conforms to current naming conventions (Locus AJ549245.1), and it is often referred to in the literature as DSC3 or the Lubag variant (Nolte et al. 2003. PubMed ID: 12928496). The DSC3 variant is located within a cluster of five alternative exons (denoted as exons d1-d5) located downstream of the conserved TAF1 exons (exons 1-38) (Herzfeld et al. 2012. PubMed ID: 23184149). Transcript analysis has shown that the exon containing DSC3 can be alternatively spliced onto TAF1 exons 1-37 (Nolte et al. 2003. PubMed ID: 12928496) or can be expressed as a smaller transcript independent of the of TAF1 exons 1-38 (Herzfeld et al. 2012. PubMed ID: 23184149). In a functional study, Herzfeld et al. showed that TAF1 constructs containing DSC3 led to an overall decrease in gene expression (Herzfeld et al. 2013. PubMed ID: 23184149). The DSC3 variant has also been described as one of the seven genetic variants within a haplotype associated with X-linked dystonia-parkinsonism (XDP) in individuals from Panay Island in the Philippines (Domingo et al. 2015. PubMed ID: 25604858). This haplotype has been observed in all affected individuals and includes five single nucleotide variants, a 48-bp deletion, and a 2,627-bp SINE-VNTR-Alu retrotransposon insertion in intron 32 (Domingo et al. 2015. PubMed ID: 25604858). The DSC3 variant or any of the other variants associated with this haplotype have not been conclusively shown to cause XDP (Domingo et al. 2015. PubMed ID: 25604858) and the molecular details regarding XDP pathogenesis is conflicting and not fully understood (Domingo et al. 2015. PubMed ID: 25604858; Capponi et al. 2021. PubMed ID: 34746789). The DSC3 variant is reported in 0.10% of alleles in individuals of East Asian descent in gnomAD. This variant has been interpreted as uncertain in ClinVar (Variation ID: 21011). At this time, the clinical significance of the DSC3 variant is uncertain due to the absence of conclusive functional and genetic evidence.

Blueprint Genetics
Classification: Uncertain significance. Last evaluated: 2024-06-12. Review status: criteria provided, single submitter. Criteria: ACMG Guidelines, 2015. Collection method: clinical testing. Allele origin: germline.

3billion
Classification: Uncertain significance for X-linked dystonia-parkinsonism. Last evaluated: 2024-01-26. Review status: criteria provided, single submitter. Criteria: ACMG Guidelines, 2015. Collection method: clinical testing. Allele origin: germline. Affected: yes.
Comment: The variant is observed at an extremely low frequency in the gnomAD v2.1.1 dataset (total allele frequency: 0.009%). Predicted Consequence/Location: non_coding_transcript_exon_variant The variant has been reported to be associated with TAF1 related disorder (ClinVar ID: VCV000021011). However, the evidence of pathogenicity is insufficient at this time. Therefore, this variant is classified as VUS according to the recommendation of ACMG/AMP guideline.

GeneReviews
Classification: Pathogenic for X-Linked Dystonia-Parkinsonism Syndrome. Last evaluated: 2012-10-18. Review status: no assertion criteria provided. Collection method: curation. Allele origin: unknown. Not counted in ClinVar's aggregate classification.
ClinVar note: Converted during submission from pathologic to Pathogenic.

NR_104387.1(TAF1):n.5894C>T

Gene: TAF1 (TATA-box binding protein associated factor 1; plus strand). Cytogenetic location: Xq13.1.
Variant type: single nucleotide variant.
Molecular consequence: non-coding transcript variant (on NR_104387.2).
Genome position: GRCh38 VCF-style: chrX-71529785-C-T. GRCh37 (hg19) VCF-style: chrX-70749635-C-T.
Other names: c.94C>T (AJ549245.1).
Identifiers: ClinVar variation 21011 (VCV000021011.8), dbSNP rs397509359, ClinGen allele CA341514.